The following is an entry in ClinVar:

ClinVar aggregate classification (germline): Benign/Likely benign. Review status: criteria provided, multiple submitters, no conflicts (2 of 4 stars). 10 submissions from 10 submitters: Benign (9); Likely benign (1). Last evaluated 2026-02-04.

Conditions:
Sterile multifocal osteomyelitis with periostitis and pustulosis. Also called: CHRONIC RECURRENT MULTIFOCAL OSTEOMYELITIS 2, WITH PERIOSTITIS AND PUSTULOSIS. Identifiers: Orphanet 210115, MedGen C2748507, MONDO:0013021, OMIM 612852.

Allele frequency attached by ClinVar (database versions not stated): gnomAD exomes 0.29400; ESP Exome Variant Server 0.33315; TOPMed 0.33354; gnomAD 0.33939 and 0.34551; 1000 Genomes Project 30x 0.34884; 1000 Genomes Project 0.35004.
gnomAD v4.1: 481,544 of 1,614,016 alleles (30%); highest among the groups gnomAD compares: East Asian, 62%; 77,305 homozygotes.

Submissions (10):

Labcorp Genetics (formerly Invitae), Labcorp
Classification: Benign for Sterile multifocal osteomyelitis with periostitis and pustulosis. Last evaluated: 2026-02-04. Review status: criteria provided, single submitter. Criteria: Invitae Variant Classification Sherloc (09022015). Collection method: clinical testing. Allele origin: germline.

Women's Health and Genetics/Laboratory Corporation of America, LabCorp
Classification: Benign. Last evaluated: 2026-01-21. Review status: criteria provided, single submitter. Criteria: LabCorp Variant Classification Summary - May 2015. Collection method: clinical testing. Allele origin: germline.

Blueprint Genetics
Classification: Likely benign. Last evaluated: 2024-11-26. Review status: criteria provided, single submitter. Criteria: ACMG Guidelines, 2015. Collection method: clinical testing. Allele origin: germline.

Unidad de Genómica Garrahan, Hospital de Pediatría Garrahan
Classification: Benign. Last evaluated: 2023-11-12. Review status: criteria provided, single submitter. Criteria: ACMG Guidelines, 2015. Collection method: clinical testing. Allele origin: germline. Affected: no. Observed: 46 variant alleles.
Comment: This variant is classified as Benign based on local population frequency. This variant was detected in 48% of patients studied by a panel of primary immunodeficiencies. Number of patients: 46. Only high quality variants are reported.

Genome-Nilou Lab
Classification: Benign for Sterile multifocal osteomyelitis with periostitis and pustulosis. Last evaluated: 2021-08-19. Review status: criteria provided, single submitter. Criteria: ACMG Guidelines, 2015. Collection method: clinical testing. Allele origin: germline. Affected: no.

GeneDx
Classification: Benign. Last evaluated: 2018-11-12. Review status: criteria provided, single submitter. Criteria: GeneDx Variant Classification Process June 2021. Collection method: clinical testing. Allele origin: germline. Affected: yes.

Mayo Clinic Laboratories, Mayo Clinic
Classification: Benign. Last evaluated: 2018-05-02. Review status: criteria provided, single submitter. Criteria: ACMG Guidelines, 2015. Collection method: clinical testing. Allele origin: germline. Observed: 679 variant alleles.

Illumina Laboratory Services, Illumina
Classification: Benign for Sterile multifocal osteomyelitis with periostitis and pustulosis. Last evaluated: 2018-01-12. Review status: criteria provided, single submitter. Criteria: ICSL Variant Classification Criteria 13 December 2019. Collection method: clinical testing. Allele origin: germline.
Comment: This variant was observed in the ICSL laboratory as part of a predisposition screen in an ostensibly healthy population. It had not been previously curated by ICSL or reported in the Human Gene Mutation Database (HGMD: prior to June 1st, 2018), and was therefore a candidate for classification through an automated scoring system. Utilizing variant allele frequency, disease prevalence and penetrance estimates, and inheritance mode, an automated score was calculated to assess if this variant is too frequent to cause the disease. Based on the score and internal cut-off values, a variant classified as benign is not then subjected to further curation. The score for this variant resulted in a classification of benign for this disease.

Laboratory for Molecular Medicine, Mass General Brigham Personalized Medicine
Classification: Benign. Last evaluated: 2016-03-29. Review status: criteria provided, single submitter. Criteria: LMM Criteria. Collection method: clinical testing. Allele origin: germline.
Comment: Variant identified in a genome or exome case(s) and assessed due to predicted null impact of the variant or pathogenic assertions in the literature or databases. Disclaimer: This variant has not undergone full assessment. The following are preliminary notes: Frequency

Breakthrough Genomics
Classification: Benign. Review status: criteria provided, single submitter. Criteria: ACMG Guidelines, 2015. Collection method: not provided. Allele origin: germline. Inheritance: Autosomal recessive inheritance. Affected: yes.

NM_173842.3(IL1RN):c.390T>C (p.Ser130=)

Gene: IL1RN (interleukin 1 receptor antagonist; plus strand). Cytogenetic location: 2q14.1.
Variant type: single nucleotide variant.
Coding change: c.390T>C on transcript NM_173842.3 (MANE Select); coding-DNA position 390, T replaced by C.
Protein change: p.Ser130=; no amino-acid change (serine 130 retained).
Molecular consequence: synonymous variant.
Genome position (GRCh38, 1-based): chr2:113,132,727, T>C. VCF-style: chr2-113132727-T-C. GRCh37 (hg19) VCF-style: chr2-113890304-T-C.
Other names: p.Ser130=; c.336T>C, p.Ser112= (NM_000577.5); c.288T>C, p.Ser96= (NM_001318914.2, NM_001379360.1, NM_173843.3); c.399T>C, p.Ser133= (NM_173841.3).
Identifiers: ClinVar variation 330827 (VCV000330827.26), dbSNP rs315952, ClinGen allele CA1838890.
Genomic context (GRCh38, chr2:113,132,727, plus strand): 5'-CACTGACCTGAGCGAGAACAGAAAGCAGGACAAGCGCTTCGCCTTCATCCGCTCAGACAG[T>C]GGCCCCACCACCAGTTTTGAGTCTGCCGCCTGCCCCGGTTGGTTCCTCTGCACAGCGATG-3'
Protein context (NP_776214.1, residues 120-140): DKRFAFIRSD[Ser130=]GPTTSFESAA